The following is an entry in ClinVar:

NM_015374.3(SUN2):c.425-11G>A

Gene: SUN2 (Sad1 and UNC84 domain containing 2; minus strand). Cytogenetic location: 22q13.1.
Variant type: single nucleotide variant.
Coding change: c.425-11G>A on transcript NM_015374.3 (MANE Select); 11 bases into the intron before coding-DNA position 425, G replaced by A.
Molecular consequence: intron variant. On other transcripts: synonymous variant (2).
Genome position (GRCh38, 1-based): chr22:38,750,331, C>T on the plus strand (G>A on the coding strand, the complement: SUN2 is on the minus strand). VCF-style: chr22-38750331-C-T. GRCh37 (hg19) VCF-style: chr22-39146336-C-T.
Other names: c.477G>A, p.Ser159= (NM_001199579.2, NM_001394428.1); c.123-1548G>A (NM_001394443.1); c.335-11G>A (NM_001394438.1); c.287-11G>A (NM_001394439.1, NM_001394441.1, NM_001394440.1); c.425-11G>A (NM_001394444.1, NM_001394442.1, NM_001394437.1 and 9 more transcripts); c.470-11G>A (NM_001394430.1, NM_001394429.1).
Identifiers: ClinVar variation 1632647 (VCV001632647.29), dbSNP rs774550032, ClinGen allele CA10235942.

ClinVar aggregate classification (germline): Likely benign. Review status: criteria provided, multiple submitters, no conflicts (2 of 4 stars). 2 submissions from 2 submitters: Likely benign (2). Last evaluated 2025-11-13.

Conditions:
Emery-Dreifuss muscular dystrophy (EDMD). Also called: Scapuloperoneal syndrome, X-linked (formerly); Humeroperoneal neuromuscular disease, (formerly). Identifiers: Orphanet 261, MedGen C0410189, MONDO:0016830.

Allele frequency attached by ClinVar (database versions not stated): ExAC 0.00016; gnomAD 0.00016; TOPMed 0.00018; gnomAD exomes 0.00021 and 0.00037.
gnomAD v4.1: 562 of 1,613,676 alleles (0.035%); highest among the groups gnomAD compares: Non-Finnish European, 0.044%; no homozygotes.

Submissions (2):

Labcorp Genetics (formerly Invitae), Labcorp
Classification: Likely benign for Emery-Dreifuss muscular dystrophy. Last evaluated: 2025-11-13. Review status: criteria provided, single submitter. Criteria: Invitae Variant Classification Sherloc (09022015). Collection method: clinical testing. Allele origin: germline.

CeGaT Center for Human Genetics Tuebingen
Classification: Likely benign. Last evaluated: 2024-04-01. Review status: criteria provided, single submitter. Criteria: CeGaT Center For Human Genetics Tuebingen Variant Classification Criteria Version 2. Collection method: clinical testing. Allele origin: germline. Affected: yes. Observed: 1 variant allele.
Comment: SUN2: BP4, BP7